The following is an entry in ClinVar:

ClinVar aggregate classification (germline): Uncertain significance. Review status: criteria provided, single submitter (1 of 4 stars). 2 submissions from 2 submitters: Uncertain significance (1). 1 of the submissions does not count toward it. Last evaluated 2010-10-05.

Conditions:
Pendred syndrome (PDS). Also called: Pendred's syndrome; DEAFNESS WITH GOITER; GOITER-DEAFNESS SYNDROME; HYPOTHYROIDISM, CONGENITAL, DUE TO DYSHORMONOGENESIS, 2B; Pendred Syndrome (PDS); THYROID DYSHORMONOGENESIS 2B. Identifiers: Orphanet 705, MedGen C0271829, MONDO:0010134, OMIM 274600.

Allele frequency attached by ClinVar (database versions not stated): TOPMed 0.00002; gnomAD 0.00003.

Submissions (2):

Laboratory for Molecular Medicine, Mass General Brigham Personalized Medicine
Classification: Uncertain significance. Last evaluated: 2010-10-05. Review status: criteria provided, single submitter. Criteria: LMM Criteria. Collection method: clinical testing. Allele origin: germline. Observed: 1 variant allele.
Comment: The Ser666Thr variant in SLC26A4 has not been reported in the literature nor pre viously identified by our laboratory. However, a different amino acid change at this location (Ser666Phe) has previously been reported to be pathogenic (Ishihar a 2010, Tsukamoto 2003), which increases the likelihood that this variant is als o pathogenic. However, computational analyses (PolyPhen, SIFT, AlignGVGD) sugges t this variant is less likely to impact to the protein though this information i s not very predictive of pathogenicity. This residue is conserved in mammals tho ugh not in lower species. In summary, the clinical significance of this variant cannot be determined with certainty at this time.

Natera, Inc.
Classification: Uncertain significance for Pendred syndrome. Last evaluated: 2019-11-11. Review status: no assertion criteria provided. Collection method: clinical testing. Allele origin: germline. Not counted in ClinVar's aggregate classification.

NM_000441.2(SLC26A4):c.1996T>A (p.Ser666Thr)

Gene: SLC26A4 (solute carrier family 26 member 4; plus strand). Cytogenetic location: 7q22.3.
Variant type: single nucleotide variant.
Coding change: c.1996T>A on transcript NM_000441.2 (MANE Select); coding-DNA position 1996, T replaced by A.
Protein change: p.Ser666Thr; replaces serine 666 with threonine.
Molecular consequence: missense variant.
Genome position (GRCh38, 1-based): chr7:107,702,019, T>A. VCF-style: chr7-107702019-T-A. GRCh37 (hg19) VCF-style: chr7-107342464-T-A.
Other names: short protein forms S666T.
Identifiers: ClinVar variation 43530 (VCV000043530.6), dbSNP rs397516425, ClinGen allele CA132689.